The following is an entry in ClinVar:

ClinVar aggregate classification (germline): Uncertain significance (1 of 4 stars; one submission).

Allele frequency attached by ClinVar (database versions not stated): ExAC 0.00002; 1000 Genomes Project 30x 0.00031; gnomAD 0.00001; 1000 Genomes Project 0.00040.
gnomAD v4.1: 8 of 1,568,736 alleles (0.00051%); highest among the groups gnomAD compares: South Asian, 0.0093%; no homozygotes.

Submission:

Labcorp Genetics (formerly Invitae), Labcorp
Classification: Uncertain significance. Last evaluated: 2025-03-19. Review status: criteria provided, single submitter. Criteria: Invitae Variant Classification Sherloc (09022015). Collection method: clinical testing. Allele origin: germline.
Comment: This sequence change replaces methionine, which is neutral and non-polar, with isoleucine, which is neutral and non-polar, at codon 2253 of the CACNA1E protein (p.Met2253Ile). This variant is present in population databases (rs540012833, gnomAD 0.01%). This variant has not been reported in the literature in individuals affected with CACNA1E-related conditions. ClinVar contains an entry for this variant (Variation ID: 2983701). Invitae Evidence Modeling of protein sequence and biophysical properties (such as structural, functional, and spatial information, amino acid conservation, physicochemical variation, residue mobility, and thermodynamic stability) has been performed for this missense variant. However, the output from this modeling did not meet the statistical confidence thresholds required to predict the impact of this variant on CACNA1E protein function. In summary, the available evidence is currently insufficient to determine the role of this variant in disease. Therefore, it has been classified as a Variant of Uncertain Significance.

NM_001205293.3(CACNA1E):c.6888G>A (p.Met2296Ile)

Gene: CACNA1E (calcium voltage-gated channel subunit alpha1 E; plus strand). Cytogenetic location: 1q25.3.
Variant type: single nucleotide variant.
Coding change: c.6888G>A on transcript NM_001205293.3 (MANE Select); coding-DNA position 6888, G replaced by A.
Protein change: p.Met2296Ile; replaces methionine 2296 with isoleucine.
Molecular consequence: missense variant.
Genome position (GRCh38, 1-based): chr1:181,798,780, G>A. VCF-style: chr1-181798780-G-A. GRCh37 (hg19) VCF-style: chr1-181767916-G-A.
Other names: c.6759G>A, p.Met2253Ile (NM_000721.4); c.6702G>A, p.Met2234Ile (NM_001205294.2); short protein forms M2234I, M2296I, M2253I.
Identifiers: ClinVar variation 2983701 (VCV002983701.3), dbSNP rs540012833, ClinGen allele CA1276519.
Genomic context (GRCh38, chr1:181,798,780, plus strand): 5'-GCAGATGCCCAACGGGCACTATCGGCGGCGGAGGCGCGGGGGGCCTGGGCCAGGCATGAT[G>A]TGTGGGGCTGTCAACAACCTGCTAAGTGACACGGAAGAAGATGACAAATGCTAGAGGCTG-3'
Protein context (NP_001192222.1, residues 2286-2306): RRRGGPGPGM[Met2296Ile]CGAVNNLLSD